The following is an entry in ClinVar:

NM_018942.3(HMX1):c.92G>A (p.Gly31Asp)

Gene: HMX1 (H6 family homeobox 1; minus strand). Cytogenetic location: 4p16.1.
Variant type: single nucleotide variant.
Coding change: c.92G>A on transcript NM_018942.3 (MANE Select); coding-DNA position 92, G replaced by A.
Protein change: p.Gly31Asp; replaces glycine 31 with aspartic acid.
Molecular consequence: missense variant.
Genome position (GRCh38, 1-based): chr4:8,871,523, C>T on the plus strand (G>A on the coding strand, the complement: HMX1 is on the minus strand). VCF-style: chr4-8871523-C-T. GRCh37 (hg19) VCF-style: chr4-8873249-C-T.
Other names: c.92G>A, p.Gly31Asp (NM_001306142.2); short protein forms G31D.
Identifiers: ClinVar variation 1958644 (VCV001958644.5), dbSNP rs2474398331, ClinGen allele CA356279409.
Genomic context (GRCh38, chr4:8,871,523, plus strand): 5'-TCGTCGTCGTCCTCCTCCTCGTCCTCCCGGCTGCCGTCGCCCTGGGTCGCGCGCCCTGCG[C>T]CCTTGGCCTCGGCCGCCAGCAGGTTCTCGATGAGGAAGGAGGAGGCGCGGGCCGGCGTGG-3'
Protein context (NP_061815.2, residues 21-41): IENLLAAEAK[Gly31Asp]AGRATQGDGS

ClinVar aggregate classification (germline): Uncertain significance (1 of 4 stars; one submission).

Allele frequency attached by ClinVar (database versions not stated): gnomAD exomes below 0.00001.
gnomAD v4.1: 1 of 1,352,784 alleles (0.000074%); highest among the groups gnomAD compares: Non-Finnish European, 0.000095%; no homozygotes.

Submission:

Labcorp Genetics (formerly Invitae), Labcorp
Classification: Uncertain significance. Last evaluated: 2022-03-11. Review status: criteria provided, single submitter. Criteria: Invitae Variant Classification Sherloc (09022015). Collection method: clinical testing. Allele origin: germline.
Comment: In summary, the available evidence is currently insufficient to determine the role of this variant in disease. Therefore, it has been classified as a Variant of Uncertain Significance. This sequence change replaces glycine, which is neutral and non-polar, with aspartic acid, which is acidic and polar, at codon 31 of the HMX1 protein (p.Gly31Asp). This variant is not present in population databases (gnomAD no frequency). This variant has not been reported in the literature in individuals affected with HMX1-related conditions. Algorithms developed to predict the effect of missense changes on protein structure and function are either unavailable or do not agree on the potential impact of this missense change (SIFT: "Tolerated"; PolyPhen-2: "Not Available"; Align-GVGD: "Class C0").